The following is an entry in ClinVar:

ClinVar aggregate classification (germline): Uncertain significance (1 of 4 stars; one submission).

Conditions:
Cardiovascular phenotype. Identifiers: MedGen CN230736.
Hereditary cancer-predisposing syndrome. Also called: Tumor predisposition; Neoplastic Syndromes, Hereditary; Hereditary Cancer Syndrome; Hereditary neoplastic syndrome. Identifiers: Orphanet 140162, MedGen C0027672, MeSH D009386, MONDO:0015356.

Submission:

Ambry Genetics
Classification: Uncertain significance for Cardiovascular phenotype; Hereditary cancer-predisposing syndrome. Last evaluated: 2024-12-19. Review status: criteria provided, single submitter. Criteria: Ambry Variant Classification Scheme 2023. Collection method: clinical testing. Allele origin: germline.
Comment: The c.8194_8196delGAA variant (also known as p.E2732del) is located in coding exon 56 of the NF1 gene. This variant results from an in-frame GAA deletion at nucleotide positions 8194 to 8196. This results in the in-frame deletion of a glutamic acid at codon 2732. This amino acid position is highly conserved in available vertebrate species. In addition, the in silico prediction for this alteration is inconclusive (Choi Y et al. PLoS ONE. 2012; 7(10):e46688). Based on the available evidence, the clinical significance of this variant remains unclear.

NM_001042492.3(NF1):c.8254GAA[1] (p.Glu2753del)

Gene: NF1 (neurofibromin 1; plus strand). Cytogenetic location: 17q11.2.
Variant type: Microsatellite.
Coding change: c.8254GAA[1] on transcript NM_001042492.3 (MANE Select); one copy of the 3-base unit GAA starting at c.8254; the reference has two copies in a row; one copy, 3 bases deleted.
Protein change: p.Glu2753del; deletes glutamic acid 2753.
Molecular consequence: inframe deletion. On other transcripts: inframe indel (1).
Genome position (GRCh38, 1-based): chr17:31,360,583-31,360,585, GAA deleted; deleting any 3 consecutive bases within chr17:31,360,580-31,360,585 gives the same sequence; the position shown is the placement nearest the transcript's 3' end. VCF-style (leftmost placement, unchanged base first): chr17-31360579-TGAA-T. GRCh37 (hg19) VCF-style: chr17-29687597-TGAA-T.
Other names: c.8194_8196delGAA (NM_000267.3); c.8191_8193GAA[1], p.Glu2732del (NM_000267.4); short protein forms E2732del, E2753del.
Identifiers: ClinVar variation 3878986 (VCV003878986.1).